The following is an entry in ClinVar:

NM_000186.4(CFH):c.2990A>C (p.Asn997Thr)

Gene: CFH (complement factor H; plus strand). Cytogenetic location: 1q31.3.
Variant type: single nucleotide variant.
Coding change: c.2990A>C on transcript NM_000186.4 (MANE Select); coding-DNA position 2990, A replaced by C.
Protein change: p.Asn997Thr; replaces asparagine 997 with threonine.
Molecular consequence: missense variant.
Genome position (GRCh38, 1-based): chr1:196,741,908, A>C. VCF-style: chr1-196741908-A-C. GRCh37 (hg19) VCF-style: chr1-196711038-A-C.
Other names: short protein forms N997T.
Identifiers: ClinVar variation 4291528 (VCV004291528.1).

ClinVar aggregate classification (germline): Uncertain significance (1 of 4 stars; one submission).

Conditions:
Atypical hemolytic-uremic syndrome. Identifiers: Orphanet 2134, MedGen C2931788, MONDO:0016244.
Basal laminar drusen. Also called: DRUSEN OF BRUCH MEMBRANE; DRUSEN, CUTICULAR; DRUSEN, EARLY ADULT-ONSET, GROUPED. Identifiers: Orphanet 75376, MedGen C0730295, MONDO:0007472, OMIM 126700.
Factor H deficiency (CFHD). Also called: COMPLEMENT FACTOR H DEFICIENCY; CFH DEFICIENCY. Identifiers: Orphanet 200421, MedGen C0398777, MONDO:0012350, OMIM 609814.
Age related macular degeneration 4. Identifiers: MedGen C1853147, MONDO:0012540, OMIM 610698.

Submission:

Genomenon, Inc
Classification: Uncertain significance for Basal laminar drusen; Age related macular degeneration 4; Atypical hemolytic-uremic syndrome; Factor H deficiency. Last evaluated: 2025-10-02. Review status: criteria provided, single submitter. Criteria: Genomenon Sequence Variant Interpretation Standards - Updated. Collection method: curation. Allele origin: germline. Affected: no.
Comment: CFH p.Asn997Thr (c.2990A>C) is a missense variant that changes the amino acid at residue 997 from Asparagine to Threonine. This variant has been reported in the published literature (PMID:17089378;25188723). It is absent or not present at a significant frequency in gnomAD. In silico models agree that this variant is not damaging. In conclusion, we classify CFH p.Asn997Thr (c.2990A>C) as a variant of uncertain significance.

Literature cited by the submitters: PubMed 17089378; PubMed 25188723.